The following is an entry in ClinVar:

ClinVar aggregate classification (germline): Uncertain significance (1 of 4 stars; one submission).

Conditions:
Achondrogenesis, type IB (ACG1B). Also called: Achondrogenesis Type 1B. Identifiers: Orphanet 932, Orphanet 93298, MedGen C0265274, MONDO:0010966, OMIM 600972.
Multiple epiphyseal dysplasia type 4 (EDM4). Also called: Multiple Epiphyseal Dysplasia, Recessive; MULTIPLE EPIPHYSEAL DYSPLASIA WITH BILAYERED PATELLAE; MULTIPLE EPIPHYSEAL DYSPLASIA WITH CLUBFOOT; MULTIPLE EPIPHYSEAL DYSPLASIA, AUTOSOMAL RECESSIVE; SLC26A2-Related Multiple Epiphyseal Dysplasia. Identifiers: Orphanet 93307, MedGen C1847593, MONDO:0009189, OMIM 226900.
Atelosteogenesis type II (AO2). Also called: NEONATAL OSSEOUS DYSPLASIA I; Neonatal osseous dysplasia 1; SLC26A2-Related Atelosteogenesis. Identifiers: Orphanet 56304, MedGen C1850554, MONDO:0009727, OMIM 256050.
Diastrophic dysplasia (DTD). Also called: Diastrophic dwarfism. Identifiers: Orphanet 628, MedGen C0220726, MONDO:0009107, OMIM 222600.

Allele frequency attached by ClinVar (database versions not stated): TOPMed 0.00001.
gnomAD v4.1: 2 of 1,614,048 alleles (0.00012%); no homozygotes.

Submission:

Labcorp Genetics (formerly Invitae), Labcorp
Classification: Uncertain significance for Atelosteogenesis type II; Multiple epiphyseal dysplasia type 4; Achondrogenesis, type IB; Diastrophic dysplasia. Last evaluated: 2024-02-24. Review status: criteria provided, single submitter. Criteria: Invitae Variant Classification Sherloc (09022015). Collection method: clinical testing. Allele origin: germline.
Comment: This sequence change replaces glycine, which is neutral and non-polar, with alanine, which is neutral and non-polar, at codon 422 of the SLC26A2 protein (p.Gly422Ala). This variant is not present in population databases (gnomAD no frequency). This variant has not been reported in the literature in individuals affected with SLC26A2-related conditions. ClinVar contains an entry for this variant (Variation ID: 2041006). Advanced modeling of protein sequence and biophysical properties (such as structural, functional, and spatial information, amino acid conservation, physicochemical variation, residue mobility, and thermodynamic stability) performed at Invitae indicates that this missense variant is not expected to disrupt SLC26A2 protein function with a negative predictive value of 80%. In summary, the available evidence is currently insufficient to determine the role of this variant in disease. Therefore, it has been classified as a Variant of Uncertain Significance.

NM_000112.4(SLC26A2):c.1265G>C (p.Gly422Ala)

Gene: SLC26A2 (solute carrier family 26 member 2; plus strand). Cytogenetic location: 5q32.
Variant type: single nucleotide variant.
Coding change: c.1265G>C on transcript NM_000112.4 (MANE Select); coding-DNA position 1265, G replaced by C.
Protein change: p.Gly422Ala; replaces glycine 422 with alanine.
Molecular consequence: missense variant.
Genome position (GRCh38, 1-based): chr5:149,980,858, G>C. VCF-style: chr5-149980858-G-C. GRCh37 (hg19) VCF-style: chr5-149360421-G-C.
Other names: short protein forms G422A.
Identifiers: ClinVar variation 2041006 (VCV002041006.3), dbSNP rs1449461806, ClinGen allele CA361707506.